The following is an entry in ClinVar:

ClinVar aggregate classification (germline): Uncertain significance (1 of 4 stars; one submission).

Conditions:
Lethal multiple pterygium syndrome (LMPS). Identifiers: Orphanet 33108, MedGen C1854678, MONDO:0009668, OMIM 253290.

Submission:

Labcorp Genetics (formerly Invitae), Labcorp
Classification: Uncertain significance for Lethal multiple pterygium syndrome. Last evaluated: 2025-10-29. Review status: criteria provided, single submitter. Criteria: Invitae Variant Classification Sherloc (09022015). Collection method: clinical testing. Allele origin: germline.
Comment: This sequence change replaces valine, which is neutral and non-polar, with leucine, which is neutral and non-polar, at codon 38 of the CHRNA1 protein (p.Val38Leu). This variant is not present in population databases (gnomAD no frequency). This variant has not been reported in the literature in individuals affected with CHRNA1-related conditions. Invitae Evidence Modeling of protein sequence and biophysical properties (such as structural, functional, and spatial information, amino acid conservation, physicochemical variation, residue mobility, and thermodynamic stability) indicates that this missense variant is not expected to disrupt CHRNA1 protein function with a negative predictive value of 80%. In summary, the available evidence is currently insufficient to determine the role of this variant in disease. Therefore, it has been classified as a Variant of Uncertain Significance.

NM_000079.4(CHRNA1):c.112G>T (p.Val38Leu)

Gene: CHRNA1 (cholinergic receptor nicotinic alpha 1 subunit; minus strand). Cytogenetic location: 2q31.1.
Variant type: single nucleotide variant.
Coding change: c.112G>T on transcript NM_000079.4 (MANE Select); coding-DNA position 112, G replaced by T.
Protein change: p.Val38Leu; replaces valine 38 with leucine.
Molecular consequence: missense variant.
Genome position (GRCh38, 1-based): chr2:174,759,565, C>A on the plus strand (G>T on the coding strand, the complement: CHRNA1 is on the minus strand). VCF-style: chr2-174759565-C-A. GRCh37 (hg19) VCF-style: chr2-175624293-C-A.
Other names: c.112G>T, p.Val38Leu (NM_001039523.3); short protein forms V38L.
Identifiers: ClinVar variation 4803285 (VCV004803285.1).